The following is an entry in ClinVar:

ClinVar aggregate classification (germline): Pathogenic/Likely pathogenic. Review status: criteria provided, multiple submitters, no conflicts (2 of 4 stars). 2 submissions from 2 submitters: Pathogenic (1); Likely pathogenic (1). Last evaluated 2025-11-06.

Conditions:
Neuronal ceroid lipofuscinosis 2. Also called: JANSKY-BIELSCHOWSKY DISEASE NEURONAL CEROID LIPOFUSCINOSIS, LATE INFANTILE; TPP1-Related Neuronal Ceroid-Lipofuscinosis. Identifiers: Orphanet 168491, Orphanet 228349, Orphanet 79264, MedGen C1876161, MONDO:0008769, OMIM 204500.

Submissions (2):

Natera, Inc.
Classification: Likely pathogenic for Neuronal ceroid lipofuscinosis 2. Last evaluated: 2025-11-06. Review status: criteria provided, single submitter. Criteria: Natera Variant Classification Schema (03/2026). Collection method: clinical testing. Allele origin: germline.
Comment: The c.441_443delAACinsGGACCTACGGAGGACCTACGGAGGACCA variant in TPP1 is a frameshift variant predicted to shift the reading frame beginning at codon 148 and leads to a stop codon 48 codons downstream. This variant is expected to result in nonsense mediated decay, truncation, or a dysfunctional protein product. This variant is rare in the general population with a frequency below the threshold expected for the associated phenotype(s). Given the available evidence, this variant is classified as Likely Pathogenic.

Labcorp Genetics (formerly Invitae), Labcorp
Classification: Pathogenic. Last evaluated: 2023-10-06. Review status: criteria provided, single submitter. Criteria: Invitae Variant Classification Sherloc (09022015). Collection method: clinical testing. Allele origin: germline.
Comment: This sequence change creates a premature translational stop signal (p.Thr148Aspfs*48) in the TPP1 gene. It is expected to result in an absent or disrupted protein product. Loss-of-function variants in TPP1 are known to be pathogenic (PMID: 10330339). This variant is not present in population databases (gnomAD no frequency). This variant has not been reported in the literature in individuals affected with TPP1-related conditions. For these reasons, this variant has been classified as Pathogenic.

Literature cited by the submitters: PubMed 10330339 (cited by Labcorp Genetics (formerly Invitae), Labcorp).

NM_000391.4(TPP1):c.441_443delinsGGACCTACGGAGGACCTACGGAGGACCA (p.Thr148fs)

Gene: TPP1 (tripeptidyl peptidase 1; minus strand). Cytogenetic location: 11p15.4.
Variant type: Indel.
Coding change: c.441_443delinsGGACCTACGGAGGACCTACGGAGGACCA on transcript NM_000391.4 (MANE Select); coding-DNA positions 441 to 443, AAC replaced by GGACCTACGGAGGACCTACGGAGGACCA.
Protein change: p.Thr148fs; shifts the reading frame from threonine 148.
Molecular consequence: frameshift variant.
Genome position (GRCh38, 1-based): chr11:6,617,366-6,617,368, GTT replaced by TGGTCCTCCGTAGGTCCTCCGTAGGTCC on the plus strand (AAC replaced by GGACCTACGGAGGACCTACGGAGGACCA on the coding strand, the reverse complement: TPP1 is on the minus strand). VCF-style: chr11-6617366-GTT-TGGTCCTCCGTAGGTCCTCCGTAGGTCC. GRCh37 (hg19) VCF-style: chr11-6638597-GTT-TGGTCCTCCGTAGGTCCTCCGTAGGTCC.
Other names: c.441_443delAACinsGGACCTACGGAGGACCTACGGAGGACCA (NM_000391.3); short protein forms T148fs.
Identifiers: ClinVar variation 2872874 (VCV002872874.4), dbSNP rs2493799918, ClinGen allele CA2739276120.